The following is an entry in ClinVar:

ClinVar aggregate classification (germline): Uncertain significance (1 of 4 stars; one submission).

Conditions:
Transcobalamin I deficiency (TCN1D). Also called: COBALAMIN PSEUDODEFICIENCY DUE TO TRANSCOBALAMIN DEFICIENCY; COBALAMIN R BINDER PROTEIN DEFICIENCY; TCN1 DEFICIENCY. Identifiers: Orphanet 2967, MedGen C0342700, MONDO:0008659, OMIM 193090.

Allele frequency attached by ClinVar (database versions not stated): gnomAD exomes below 0.00001 and 0.00001; ExAC 0.00001; gnomAD 0.00001; TOPMed 0.00001.

Submission:

Labcorp Genetics (formerly Invitae), Labcorp
Classification: Uncertain significance for Transcobalamin I deficiency. Last evaluated: 2023-01-24. Review status: criteria provided, single submitter. Criteria: Invitae Variant Classification Sherloc (09022015). Collection method: clinical testing. Allele origin: germline.
Comment: This variant has not been reported in the literature in individuals affected with TCN1-related conditions. ClinVar contains an entry for this variant (Variation ID: 848835). Algorithms developed to predict the effect of missense changes on protein structure and function output the following: SIFT: "Tolerated"; PolyPhen-2: "Benign"; Align-GVGD: "Class C0". The arginine amino acid residue is found in multiple mammalian species, which suggests that this missense change does not adversely affect protein function. In summary, the available evidence is currently insufficient to determine the role of this variant in disease. Therefore, it has been classified as a Variant of Uncertain Significance. This variant is present in population databases (rs755140492, gnomAD 0.006%). This sequence change replaces cysteine, which is neutral and slightly polar, with arginine, which is basic and polar, at codon 393 of the TCN1 protein (p.Cys393Arg).

NM_001062.4(TCN1):c.1177T>C (p.Cys393Arg)

Gene: TCN1 (transcobalamin 1; minus strand). Cytogenetic location: 11q12.1.
Variant type: single nucleotide variant.
Coding change: c.1177T>C on transcript NM_001062.4 (MANE Select); coding-DNA position 1177, T replaced by C.
Protein change: p.Cys393Arg; replaces cysteine 393 with arginine.
Molecular consequence: missense variant.
Genome position (GRCh38, 1-based): chr11:59,853,266, A>G on the plus strand (T>C on the coding strand, the complement: TCN1 is on the minus strand). VCF-style: chr11-59853266-A-G. GRCh37 (hg19) VCF-style: chr11-59620739-A-G.
Other names: short protein forms C393R.
Identifiers: ClinVar variation 848835 (VCV000848835.8), dbSNP rs755140492, ClinGen allele CA6021779.